The following is an entry in ClinVar:

NM_004260.4(RECQL4):c.589G>A (p.Glu197Lys)

Gene: RECQL4 (RecQ like helicase 4; minus strand). Cytogenetic location: 8q24.3.
Variant type: single nucleotide variant.
Coding change: c.589G>A on transcript NM_004260.4 (MANE Select); coding-DNA position 589, G replaced by A.
Protein change: p.Glu197Lys; replaces glutamic acid 197 with lysine.
Molecular consequence: missense variant.
Genome position (GRCh38, 1-based): chr8:144,516,530, C>T on the plus strand (G>A on the coding strand, the complement: RECQL4 is on the minus strand). VCF-style: chr8-144516530-C-T. GRCh37 (hg19) VCF-style: chr8-145741914-C-T.
Other names: short protein forms E197K.
Identifiers: ClinVar variation 841832 (VCV000841832.7), dbSNP rs778626045, ClinGen allele CA4949245.

ClinVar aggregate classification (germline): Uncertain significance. Review status: criteria provided, multiple submitters, no conflicts (2 of 4 stars). 2 submissions from 2 submitters: Uncertain significance (2). Last evaluated 2024-10-04.

Conditions:
Inborn genetic diseases. Identifiers: MedGen C0950123, MeSH D030342.
Baller-Gerold syndrome (BGS). Also called: CRANIOSYNOSTOSIS WITH RADIAL DEFECTS. Identifiers: Orphanet 1225, MedGen C0265308, MONDO:0009039, OMIM 218600.

Allele frequency attached by ClinVar (database versions not stated): ExAC below 0.00001; gnomAD 0.00001; gnomAD exomes 0.00001.
gnomAD v4.1: 14 of 1,609,804 alleles (0.00087%); highest among the groups gnomAD compares: Non-Finnish European, 0.0012%; no homozygotes.

Submissions (2):

Ambry Genetics
Classification: Uncertain significance for Inborn genetic diseases. Last evaluated: 2024-10-04. Review status: criteria provided, single submitter. Criteria: Ambry Variant Classification Scheme 2023. Collection method: clinical testing. Allele origin: germline.
Comment: The p.E197K variant (also known as c.589G>A), located in coding exon 5 of the RECQL4 gene, results from a G to A substitution at nucleotide position 589. The glutamic acid at codon 197 is replaced by lysine, an amino acid with similar properties. This amino acid position is conserved. In addition, this alteration is predicted to be tolerated by in silico analysis. Based on the available evidence, the clinical significance of this variant remains unclear.

Labcorp Genetics (formerly Invitae), Labcorp
Classification: Uncertain significance for Baller-Gerold syndrome. Last evaluated: 2024-06-11. Review status: criteria provided, single submitter. Criteria: Invitae Variant Classification Sherloc (09022015). Collection method: clinical testing. Allele origin: germline.
Comment: This sequence change replaces glutamic acid, which is acidic and polar, with lysine, which is basic and polar, at codon 197 of the RECQL4 protein (p.Glu197Lys). This variant is not present in population databases (gnomAD no frequency). This variant has not been reported in the literature in individuals affected with RECQL4-related conditions. ClinVar contains an entry for this variant (Variation ID: 841832). Advanced modeling of protein sequence and biophysical properties (such as structural, functional, and spatial information, amino acid conservation, physicochemical variation, residue mobility, and thermodynamic stability) performed at Invitae indicates that this missense variant is not expected to disrupt RECQL4 protein function with a negative predictive value of 80%. In summary, the available evidence is currently insufficient to determine the role of this variant in disease. Therefore, it has been classified as a Variant of Uncertain Significance.